The following is an entry in ClinVar:

NM_080680.3(COL11A2):c.2996C>G (p.Pro999Arg)

Gene: COL11A2 (collagen type XI alpha 2 chain; minus strand). Cytogenetic location: 6p21.32.
Variant type: single nucleotide variant.
Coding change: c.2996C>G on transcript NM_080680.3 (MANE Select); coding-DNA position 2996, C replaced by G.
Protein change: p.Pro999Arg; replaces proline 999 with arginine.
Molecular consequence: missense variant.
Genome position (GRCh38, 1-based): chr6:33,172,096, G>C on the plus strand (C>G on the coding strand, the complement: COL11A2 is on the minus strand). VCF-style: chr6-33172096-G-C. GRCh37 (hg19) VCF-style: chr6-33139873-G-C.
Other names: c.2816C>G, p.Pro939Arg (NM_001424108.1); c.2150C>G, p.Pro717Arg (NM_001424109.1); c.1970C>G, p.Pro657Arg (NM_001424110.1, NM_001424111.1); c.950C>G, p.Pro317Arg (NM_001424112.1); c.2675C>G, p.Pro892Arg (NM_080679.3); c.2738C>G, p.Pro913Arg (NM_080681.3); short protein forms P717R, P317R, P657R, P913R, P892R, P939R, P999R.
Identifiers: ClinVar variation 4751884 (VCV004751884.1).

ClinVar aggregate classification (germline): Uncertain significance (1 of 4 stars; one submission).

gnomAD v4.1: 2 of 1,612,906 alleles (0.00012%); highest among the groups gnomAD compares: Non-Finnish European, 0.00017%; no homozygotes.

Submission:

Labcorp Genetics (formerly Invitae), Labcorp
Classification: Uncertain significance. Last evaluated: 2025-04-03. Review status: criteria provided, single submitter. Criteria: Invitae Variant Classification Sherloc (09022015). Collection method: clinical testing. Allele origin: germline.
Comment: This sequence change replaces proline, which is neutral and non-polar, with arginine, which is basic and polar, at codon 999 of the COL11A2 protein (p.Pro999Arg). This variant is present in population databases (rs770113773, gnomAD 0.0009%). This variant has not been reported in the literature in individuals affected with COL11A2-related conditions. Invitae Evidence Modeling of protein sequence and biophysical properties (such as structural, functional, and spatial information, amino acid conservation, physicochemical variation, residue mobility, and thermodynamic stability) indicates that this missense variant is not expected to disrupt COL11A2 protein function with a negative predictive value of 95%. In summary, the available evidence is currently insufficient to determine the role of this variant in disease. Therefore, it has been classified as a Variant of Uncertain Significance.